The following is an entry in ClinVar:

ClinVar aggregate classification (germline): Uncertain significance (1 of 4 stars; one submission).

Allele frequency attached by ClinVar (database versions not stated): gnomAD exomes 0.00001; TOPMed 0.00001 and 0.00002; ExAC 0.00002.
gnomAD v4.1: 6 of 1,613,332 alleles (0.00037%); highest among the groups gnomAD compares: East Asian, 0.0022%; no homozygotes.

Submission:

Laboratory for Molecular Medicine, Mass General Brigham Personalized Medicine
Classification: Uncertain significance. Last evaluated: 2016-07-01. Review status: criteria provided, single submitter. Criteria: LMM Criteria. Collection method: clinical testing. Allele origin: germline. Observed: 2 variant alleles.
Comment: This variant has been identified in 1/10396 African chromoso mes and 1/66590 European chromosomes by the Exome Aggregation Consortium (ExAC; dbSNP rs727505032). Computational prediction too ls and conservation analysis are limited or unavailable for this variant. In sum mary, the clinical significance of the p.Arg5218Gln variant is uncertain.

NM_133379.5(TTN):c.15653G>A (p.Arg5218Gln)

Gene: TTN (titin; minus strand). Cytogenetic location: 2q31.2.
Variant type: single nucleotide variant.
Coding change: c.15653G>A on transcript NM_133379.5 (MANE Plus Clinical); coding-DNA position 15653, G replaced by A.
Protein change: p.Arg5218Gln; replaces arginine 5218 with glutamine.
Molecular consequence: missense variant. On other transcripts: intron variant (6).
Genome position (GRCh38, 1-based): chr2:178,746,747, C>T on the plus strand (G>A on the coding strand, the complement: TTN is on the minus strand). VCF-style: chr2-178746747-C-T. GRCh37 (hg19) VCF-style: chr2-179611474-C-T.
Other names: c.10223-4826G>A (NM_003319.4); c.10799-4826G>A (NM_133437.4); c.10598-4826G>A (NM_133432.3); c.10360+6377G>A (NM_133378.4); c.10361-4826G>A (NM_001256850.1); c.11312-4826G>A (NM_001267550.2); short protein forms R5218Q.
Identifiers: ClinVar variation 179662 (VCV000179662.5), dbSNP rs727505032, ClinGen allele CA184870.